The following is an entry in ClinVar:

NM_001999.4(FBN2):c.432A>G (p.Lys144=)

Gene: FBN2 (fibrillin 2; minus strand). Cytogenetic location: 5q23.3.
Variant type: single nucleotide variant.
Coding change: c.432A>G on transcript NM_001999.4 (MANE Select); coding-DNA position 432, A replaced by G.
Protein change: p.Lys144=; no amino-acid change (lysine 144 retained).
Molecular consequence: synonymous variant.
Genome position (GRCh38, 1-based): chr5:128,530,599, T>C on the plus strand (A>G on the coding strand, the complement: FBN2 is on the minus strand). VCF-style: chr5-128530599-T-C. GRCh37 (hg19) VCF-style: chr5-127866292-T-C.
Identifiers: ClinVar variation 519847 (VCV000519847.18), dbSNP rs201247200, ClinGen allele CA3396121.

ClinVar aggregate classification (germline): Likely benign. Review status: criteria provided, multiple submitters, no conflicts (2 of 4 stars). 3 submissions from 3 submitters: Likely benign (2). 1 of the submissions does not count toward it. Last evaluated 2025-02-24.

Conditions:
FBN2-related disorder. Also called: FBN2-related condition.
Familial thoracic aortic aneurysm and aortic dissection (TAAD). Also called: Thoracic aortic aneurysms and dissections. Identifiers: Orphanet 91387, MedGen C4707243, MONDO:0019625.
Congenital contractural arachnodactyly (CCA). Also called: BEALS SYNDROME; Beals-Hecht syndrome; Arthrogryposis, distal, type 9. Identifiers: Orphanet 115, MedGen C0220668, MONDO:0007363, OMIM 121050.

Allele frequency attached by ClinVar (database versions not stated): gnomAD 0.00001 and 0.00002; gnomAD exomes 0.00002 and 0.00004; ExAC 0.00004; TOPMed 0.00005; 1000 Genomes Project 30x 0.00016; 1000 Genomes Project 0.00020.
gnomAD v4.1: 13 of 1,607,576 alleles (0.00081%); highest among the groups gnomAD compares: Admixed American, 0.022%; no homozygotes.

Submissions (3):

Labcorp Genetics (formerly Invitae), Labcorp
Classification: Likely benign for Congenital contractural arachnodactyly. Last evaluated: 2025-02-24. Review status: criteria provided, single submitter. Criteria: Invitae Variant Classification Sherloc (09022015). Collection method: clinical testing. Allele origin: germline.

Ambry Genetics
Classification: Likely benign for Familial thoracic aortic aneurysm and aortic dissection. Last evaluated: 2017-09-30. Review status: criteria provided, single submitter. Criteria: Ambry Variant Classification Scheme 2023. Collection method: clinical testing. Allele origin: germline.

PreventionGenetics, part of Exact Sciences
Classification: Likely benign for FBN2-related condition. Last evaluated: 2021-10-20. Review status: no assertion criteria provided. Collection method: clinical testing. Allele origin: germline. Not counted in ClinVar's aggregate classification.
Comment: This variant is classified as likely benign based on ACMG/AMP sequence variant interpretation guidelines (Richards et al. 2015 PMID: 25741868, with internal and published modifications).